The following is an entry in ClinVar:

NM_017875.4(SLC25A38):c.239C>T (p.Thr80Met)

Gene: SLC25A38 (solute carrier family 25 member 38; plus strand). Cytogenetic location: 3p22.1.
Variant type: single nucleotide variant.
Coding change: c.239C>T on transcript NM_017875.4 (MANE Select); coding-DNA position 239, C replaced by T.
Protein change: p.Thr80Met; replaces threonine 80 with methionine.
Molecular consequence: missense variant.
Genome position (GRCh38, 1-based): chr3:39,390,470, C>T. VCF-style: chr3-39390470-C-T. GRCh37 (hg19) VCF-style: chr3-39431961-C-T.
Other names: c.239C>T, p.Thr80Met (NM_001354798.2); short protein forms T80M.
Identifiers: ClinVar variation 2060286 (VCV002060286.1), dbSNP rs144149294, ClinGen allele CA2327394.

ClinVar aggregate classification (germline): Uncertain significance (1 of 4 stars; one submission).

gnomAD v4.1: 46 of 1,614,020 alleles (0.0029%); highest among the groups gnomAD compares: Admixed American, 0.017%; no homozygotes.

Submission:

Labcorp Genetics (formerly Invitae), Labcorp
Classification: Uncertain significance. Last evaluated: 2022-07-13. Review status: criteria provided, single submitter. Criteria: Invitae Variant Classification Sherloc (09022015). Collection method: clinical testing. Allele origin: germline.
Comment: This sequence change replaces threonine, which is neutral and polar, with methionine, which is neutral and non-polar, at codon 80 of the SLC25A38 protein (p.Thr80Met). This variant is present in population databases (rs144149294, gnomAD 0.03%). This variant has not been reported in the literature in individuals affected with SLC25A38-related conditions. Algorithms developed to predict the effect of missense changes on protein structure and function are either unavailable or do not agree on the potential impact of this missense change (SIFT: "Deleterious"; PolyPhen-2: "Probably Damaging"; Align-GVGD: "Class C0"). In summary, the available evidence is currently insufficient to determine the role of this variant in disease. Therefore, it has been classified as a Variant of Uncertain Significance.